The following is an entry in ClinVar:

ClinVar aggregate classification (germline): Conflicting classifications of pathogenicity. Review status: criteria provided, conflicting classifications (1 of 4 stars). 2 submissions from 2 submitters: Pathogenic (1); Uncertain significance (1). Last evaluated 2025-06-17.

Submissions (2):

GeneDx
Classification: Pathogenic. Last evaluated: 2025-06-17. Review status: criteria provided, single submitter. Criteria: GeneDx Variant Classification Process June 2021. Collection method: clinical testing. Allele origin: germline. Affected: yes.
Comment: In-frame deletion of 1 amino acid in a non-repeat region; Not observed at significant frequency in large population cohorts (gnomAD); In silico analysis supports a deleterious effect on protein structure/function; This variant is associated with the following publications: (PMID: 38165337)

Labcorp Genetics (formerly Invitae), Labcorp
Classification: Uncertain significance. Last evaluated: 2024-05-04. Review status: criteria provided, single submitter. Criteria: Invitae Variant Classification Sherloc (09022015). Collection method: clinical testing. Allele origin: germline.
Comment: This variant, c.659_661del, results in the deletion of 1 amino acid(s) of the RORB protein (p.Ile220del), but otherwise preserves the integrity of the reading frame. This variant is not present in population databases (gnomAD no frequency). This variant has not been reported in the literature in individuals affected with RORB-related conditions. Experimental studies and prediction algorithms are not available or were not evaluated, and the functional significance of this variant is currently unknown. In summary, the available evidence is currently insufficient to determine the role of this variant in disease. Therefore, it has been classified as a Variant of Uncertain Significance.

NM_006914.4(RORB):c.659_661del (p.Ile220del)

Gene: RORB (RAR related orphan receptor B; plus strand). Cytogenetic location: 9q21.13.
Variant type: Deletion.
Coding change: c.659_661del on transcript NM_006914.4 (MANE Select); coding-DNA positions 659 to 661, 3 bases deleted (TTA; older notation c.659_661delTTA).
Protein change: p.Ile220del; deletes isoleucine 220.
Genome position (GRCh38, 1-based): chr9:74,660,638-74,660,640, TTA deleted; deleting any 3 consecutive bases within chr9:74,660,637-74,660,640 gives the same sequence; the c. name uses the placement nearest the transcript's 3' end. VCF-style (leftmost placement, unchanged base first): chr9-74660636-CATT-C. GRCh37 (hg19) VCF-style: chr9-77275552-CATT-C.
Other names: c.692_694del, p.Ile231del (NM_001365023.1); c.659_661del (NM_006914.3); short protein forms I231del, I220del.
Identifiers: ClinVar variation 3652096 (VCV003652096.3).